The following is an entry in ClinVar:

ClinVar aggregate classification (germline): Pathogenic (1 of 4 stars; one submission).

Conditions:
Choanal atresia-athelia-hypothyroidism-delayed puberty-short stature syndrome (BCAHH). Also called: BRANCHIAL ARCH ABNORMALITIES, CHOANAL ATRESIA, ATHELIA, HEARING LOSS, AND HYPOTHYROIDISM SYNDROME. Identifiers: Orphanet 589856, MedGen C5680310, MONDO:0035651, OMIM 620186.
Kabuki syndrome 1 (KABUK1). Also called: KMT2D-Related Kabuki Syndrome. Identifiers: Orphanet 2322, MedGen CN030661, MONDO:0007843, OMIM 147920.

Submission:

New York Genome Center
Classification: Pathogenic for Kabuki syndrome 1; Choanal atresia-athelia-hypothyroidism-delayed puberty-short stature syndrome. Last evaluated: 2024-07-11. Review status: criteria provided, single submitter. Criteria: NYGC Assertion Criteria 2020. Collection method: clinical testing. Allele origin: de novo. Affected: yes. Observed: 1 variant allele, 1 heterozygote.
Comment: The c.9838C>T p.(Gln3280Ter) variant in KMT2D introduces a premature termination codon into exon 35 of this 55-exon gene. This variant has not previously been reported in the literature or variant repositories (ClinVar and HGMD) and is absent from the gnomAD(v4.1.0) and All of Us databases of genetic variants in the general population, suggesting it is not a common benign variant in the populations represented in those databases. This variant is predicted to incorporate a premature translation termination codon [p.(Gln3280Ter)], and is expected to result in loss-of-function through nonsense-mediated mRNA decay. Predicted loss-of-function variants in exon 35 as well as in upstream and downstream exons of KMT2D have been reported in theliterature [PMID: 28295206] and in the ClinVar database. Based on available evidence the c.9838C>T, p.(Gln3280Ter) variant identified in KMT2D is classified as Pathogenic.

NM_003482.4(KMT2D):c.9838C>T (p.Gln3280Ter)

Gene: KMT2D (lysine methyltransferase 2D; minus strand). Cytogenetic location: 12q13.12.
Variant type: single nucleotide variant.
Coding change: c.9838C>T on transcript NM_003482.4 (MANE Select); coding-DNA position 9838, C replaced by T.
Protein change: p.Gln3280Ter; replaces glutamine 3280 with a stop codon.
Molecular consequence: nonsense.
Genome position (GRCh38, 1-based): chr12:49,037,518, G>A on the plus strand (C>T on the coding strand, the complement: KMT2D is on the minus strand). VCF-style: chr12-49037518-G-A. GRCh37 (hg19) VCF-style: chr12-49431301-G-A.
Other names: short protein forms Q3280*.
Identifiers: ClinVar variation 4888381 (VCV004888381.1).